The following is an entry in ClinVar:

ClinVar aggregate classification (germline): Uncertain significance (1 of 4 stars; one submission).

Submission:

Women's Health and Genetics/Laboratory Corporation of America, LabCorp
Classification: Uncertain significance. Last evaluated: 2025-09-04. Review status: criteria provided, single submitter. Criteria: LabCorp Variant Classification Summary - May 2015. Collection method: clinical testing. Allele origin: germline.
Comment: Variant summary: FLVCR1 c.1432A>G (p.Thr478Ala) results in a non-conservative amino acid change in the encoded protein sequence. Algorithms developed to predict the effect of missense changes on protein structure and function are either unavailable or do not agree on the potential impact of this missense change. The variant was absent in 251346 control chromosomes. The available data on variant occurrences in the general population are insufficient to allow any conclusion about variant significance. To our knowledge, no occurrence of c.1432A>G in individuals affected with FLVCR1-related conditions and no experimental evidence demonstrating its impact on protein function have been reported. No submitters have cited clinical-significance assessments for this variant to ClinVar. Based on the evidence outlined above, the variant was classified as uncertain significance.

NM_014053.4(FLVCR1):c.1432A>G (p.Thr478Ala)

Gene: FLVCR1 (FLVCR choline and heme transporter 1; plus strand). Cytogenetic location: 1q32.3.
Variant type: single nucleotide variant.
Coding change: c.1432A>G on transcript NM_014053.4 (MANE Select); coding-DNA position 1432, A replaced by G.
Protein change: p.Thr478Ala; replaces threonine 478 with alanine.
Molecular consequence: missense variant.
Genome position (GRCh38, 1-based): chr1:212,889,164, A>G. VCF-style: chr1-212889164-A-G. GRCh37 (hg19) VCF-style: chr1-213062506-A-G.
Other names: short protein forms T478A.
Identifiers: ClinVar variation 4535827 (VCV004535827.1).